The following is an entry in ClinVar:

ClinVar aggregate classification (germline): Likely pathogenic (1 of 4 stars; one submission).

Conditions:
Meckel-Gruber syndrome. Also called: DYSENCEPHALIA SPLANCHNOCYSTICA; GRUBER SYNDROME; Dysencephalia splachnocystica. Identifiers: Orphanet 564, MedGen C0265215, MONDO:0018921.
Joubert syndrome. Also called: CEREBELLOPARENCHYMAL DISORDER IV; JOUBERT-BOLTSHAUSER SYNDROME; Familial aplasia of the vermis. Identifiers: Orphanet 475, MedGen C5979921, MONDO:0018772.

Submission:

Labcorp Genetics (formerly Invitae), Labcorp
Classification: Likely pathogenic for Joubert syndrome; Meckel-Gruber syndrome. Last evaluated: 2023-07-14. Review status: criteria provided, single submitter. Criteria: Invitae Variant Classification Sherloc (09022015). Collection method: clinical testing. Allele origin: germline.
Comment: Variants that disrupt the consensus splice site are a relatively common cause of aberrant splicing (PMID: 17576681, 9536098). Algorithms developed to predict the effect of sequence changes on RNA splicing suggest that this variant is not likely to affect RNA splicing. This variant has been observed in individual(s) with TMEM67-related conditions (Invitae). In at least one individual the data is consistent with being in trans (on the opposite chromosome) from a pathogenic variant. This variant is not present in population databases (gnomAD no frequency). This sequence change falls in intron 17 of the TMEM67 gene. It does not directly change the encoded amino acid sequence of the TMEM67 protein. It affects a nucleotide within the consensus splice site. In summary, the currently available evidence indicates that the variant is pathogenic, but additional data are needed to prove that conclusively. Therefore, this variant has been classified as Likely Pathogenic.

Literature cited by the submitters: PubMed 17576681; PubMed 9536098.

NM_153704.6(TMEM67):c.1774-6_1774-3inv

Gene: TMEM67 (transmembrane protein 67; plus strand). Cytogenetic location: 8q22.1.
Variant type: Inversion.
Coding change: c.1774-6_1774-3inv on transcript NM_153704.6 (MANE Select).
Molecular consequence: intron variant.
Genome position: GRCh38 VCF-style: chr8-93795895-TTAT-ATAA. GRCh37 (hg19) VCF-style: chr8-94808123-TTAT-ATAA.
Other names: c.1774-6_1774-3delinsATAA (NM_153704.5); c.1531-6_1531-3inv (NM_001142301.1).
Identifiers: ClinVar variation 530900 (VCV000530900.5), ClinGen allele CA658797123.